The following is an entry in ClinVar:

ClinVar aggregate classification (germline): Likely benign (0 of 4 stars; one submission).

Conditions:
GNAS-related disorder. Identifiers: MedGen CN380105.

Allele frequency attached by ClinVar (database versions not stated): ExAC 0.00002; TOPMed 0.00001; gnomAD exomes 0.00001.
gnomAD v4.1: 4 of 1,613,552 alleles (0.00025%); highest among the groups gnomAD compares: Admixed American, 0.0067%; no homozygotes.

Submission:

PreventionGenetics, part of Exact Sciences
Classification: Likely benign for GNAS-related condition. Last evaluated: 2021-12-04. Review status: no assertion criteria provided. Collection method: clinical testing. Allele origin: germline.
Comment: This variant is classified as likely benign based on ACMG/AMP sequence variant interpretation guidelines (Richards et al. 2015 PMID: 25741868, with internal and published modifications).

NM_016592.5(GNAS):c.369C>A (p.Thr123=)

Genes: GNAS (GNAS complex locus; plus strand), GNAS-AS1 (GNAS antisense RNA 1; minus strand). Cytogenetic location: 20q13.32.
Variant type: single nucleotide variant.
Coding change: c.369C>A on transcript NM_016592.5 (MANE Plus Clinical); coding-DNA position 369, C replaced by A.
Protein change: p.Thr123=; no amino-acid change (threonine 123 retained).
Molecular consequence: synonymous variant. On other transcripts: 5 prime UTR variant (1).
Genome position (GRCh38, 1-based): chr20:58,840,475, C>A. VCF-style: chr20-58840475-C-A. GRCh37 (hg19) VCF-style: chr20-57415530-C-A.
Other names: c.-369C>A (NM_001410912.1).
Identifiers: ClinVar variation 3029819 (VCV003029819.2), dbSNP rs771921968, ClinGen allele CA9926313.